The following is an entry in ClinVar:

NM_170784.3(MKKS):c.-306A>G

Genes: MKKS (MKKS centrosomal shuttling protein; minus strand), LOC128706665 (uncharacterized LOC128706665; minus strand), LOC128706666 (uncharacterized LOC128706666; minus strand). Cytogenetic location: 20p12.2.
Variant type: single nucleotide variant.
Coding change: c.-306A>G on transcript NM_170784.3 (MANE Select); 306 bases upstream of the start codon, A replaced by G.
Molecular consequence: 5 prime UTR variant. On other transcripts: 3 prime UTR variant (1), missense variant (1).
Genome position (GRCh38, 1-based): chr20:10,413,820, T>C on the plus strand (A>G on the coding strand, the complement: MKKS is on the minus strand). VCF-style: chr20-10413820-T-C. GRCh37 (hg19) VCF-style: chr20-10394468-T-C.
Other names: c.*130A>G (NM_001394148.2); c.68A>G, p.His23Arg (NM_001394149.2); c.-306A>G (NM_018848.3); short protein forms H23R.
Identifiers: ClinVar variation 337699 (VCV000337699.5), dbSNP rs3748466, ClinGen allele CA10643473.
Genomic context (GRCh38, chr20:10,413,820, plus strand): 5'-CTTTGAGACTGAAATTTTACAGACTGCTTTGCAGACCTCTGCAAAAAGTATGTTCCAAGA[T>C]GGACACCTATGAAAGATATCCCAGCTACAAGAAGCCAGTTCTTTCTAATCCAACTGGTAT-3'

ClinVar aggregate classification (germline): Conflicting classifications of pathogenicity. Review status: criteria provided, conflicting classifications (1 of 4 stars). 2 submissions from 1 submitter: Uncertain significance (1); Likely benign (1). Last evaluated 2018-01-13.

Conditions:
Bardet-Biedl syndrome 6 (BBS6). Identifiers: Orphanet 110, MedGen C1858054, MONDO:0011523, OMIM 605231.
McKusick-Kaufman syndrome (MKKS). Also called: HYDROMETROCOLPOS SYNDROME; HYDROMETROCOLPOS, POSTAXIAL POLYDACTYLY, AND CONGENITAL HEART MALFORMATION. Identifiers: Orphanet 2473, MedGen C0948368, MONDO:0009367, OMIM 236700.

Allele frequency attached by ClinVar (database versions not stated): gnomAD 0.00028 and 0.00045; TOPMed 0.00052; 1000 Genomes Project 30x 0.00125; gnomAD exomes 0.00176; 1000 Genomes Project 0.00180.
gnomAD v4.1: 690 of 514,288 alleles (0.13%); highest among the groups gnomAD compares: East Asian, 1.9%; 8 homozygotes.

Submissions (2):

Illumina Laboratory Services, Illumina
Classification: Uncertain significance for Bardet-Biedl syndrome 6. Last evaluated: 2018-01-13. Review status: criteria provided, single submitter. Criteria: ICSL Variant Classification Criteria 13 December 2019. Collection method: clinical testing. Allele origin: germline.

Illumina Laboratory Services, Illumina
Classification: Likely benign for McKusick-Kaufman syndrome. Last evaluated: 2018-01-13. Review status: criteria provided, single submitter. Criteria: ICSL Variant Classification Criteria 13 December 2019. Collection method: clinical testing. Allele origin: germline.
Comment: This variant was observed in the ICSL laboratory as part of a predisposition screen in an ostensibly healthy population. It had not been previously curated by ICSL or reported in the Human Gene Mutation Database (HGMD: prior to June 1st, 2018), and was therefore a candidate for classification through an automated scoring system. Utilizing variant allele frequency, disease prevalence and penetrance estimates, and inheritance mode, an automated score was calculated to assess if this variant is too frequent to cause the disease. Based on the score and internal cut-off values, a variant classified as likely benign is not then subjected to further curation. The score for this variant resulted in a classification of likely benign for this disease.